The following is an entry in ClinVar:

ClinVar aggregate classification (germline): Pathogenic. Review status: criteria provided, multiple submitters, no conflicts (2 of 4 stars). 2 submissions from 2 submitters: Pathogenic (2). Last evaluated 2024-09-26.

Conditions:
Cataract 15 multiple types. Also called: CATARACT 15, LAMELLAR WITH SUTURAL OPACITIES. Identifiers: Orphanet 91492, MedGen C3809001, MONDO:0014110, OMIM 615274.

Submissions (2):

Labcorp Genetics (formerly Invitae), Labcorp
Classification: Pathogenic for Cataract 15 multiple types. Last evaluated: 2024-09-26. Review status: criteria provided, single submitter. Criteria: Invitae Variant Classification Sherloc (09022015). Collection method: clinical testing. Allele origin: germline.
Comment: This sequence change creates a premature translational stop signal (p.Trp205*) in the MIP gene. While this is not anticipated to result in nonsense mediated decay, it is expected to disrupt the last 59 amino acid(s) of the MIP protein. This variant is not present in population databases (gnomAD no frequency). This variant has not been reported in the literature in individuals affected with MIP-related conditions. ClinVar contains an entry for this variant (Variation ID: 992878). This variant disrupts a region of the MIP protein in which other variant(s) (p.Gly213Valfs*46) have been determined to be pathogenic (PMID: 16564824, 18501347; internal data). This suggests that this is a clinically significant region of the protein, and that variants that disrupt it are likely to be disease-causing. For these reasons, this variant has been classified as Pathogenic.

Laboratoire de Génétique Moléculaire, CHU Bordeaux
Classification: Pathogenic. Review status: criteria provided, single submitter. Criteria: ACMG Guidelines, 2015. Collection method: clinical testing. Allele origin: germline. Affected: yes.

Literature cited by the submitters: PubMed 16564824 (cited by Labcorp Genetics (formerly Invitae), Labcorp); PubMed 18501347 (cited by Labcorp Genetics (formerly Invitae), Labcorp).

NM_012064.4(MIP):c.615G>A (p.Trp205Ter)

Gene: MIP (major intrinsic protein of lens fiber; minus strand). Cytogenetic location: 12q13.3.
Variant type: single nucleotide variant.
Coding change: c.615G>A on transcript NM_012064.4 (MANE Select); coding-DNA position 615, G replaced by A.
Protein change: p.Trp205Ter; replaces tryptophan 205 with a stop codon.
Molecular consequence: nonsense.
Genome position (GRCh38, 1-based): chr12:56,451,457, C>T on the plus strand (G>A on the coding strand, the complement: MIP is on the minus strand). VCF-style: chr12-56451457-C-T. GRCh37 (hg19) VCF-style: chr12-56845241-C-T.
Other names: short protein forms W205*.
Identifiers: ClinVar variation 992878 (VCV000992878.3), dbSNP rs2547312090, ClinGen allele CA385270047.
Genomic context (GRCh38, chr12:56,451,457, plus strand): 5'-GGGGAAGAGAAGAAAGTCGTACAGGAGGCTGCCCAGACCCCCTCCAATGATTGGGCCTAC[C>T]CAGTACACCTGTAGAAAGAGAAAAGGAATACTCAGGCTTGGGGAGGGGACAGAGTAGCAA-3'